The following is an entry in ClinVar:

NM_000562.3(C8A):c.1152T>A (p.Tyr384Ter)

Gene: C8A (complement C8 alpha chain; plus strand). Cytogenetic location: 1p32.2.
Variant type: single nucleotide variant.
Coding change: c.1152T>A on transcript NM_000562.3 (MANE Select); coding-DNA position 1152, T replaced by A.
Protein change: p.Tyr384Ter; replaces tyrosine 384 with a stop codon.
Molecular consequence: nonsense.
Genome position (GRCh38, 1-based): chr1:56,906,722, T>A. VCF-style: chr1-56906722-T-A. GRCh37 (hg19) VCF-style: chr1-57372395-T-A.
Other names: short protein forms Y384*.
Identifiers: ClinVar variation 2961734 (VCV002961734.4), dbSNP rs1286367946, ClinGen allele CA340512264.

ClinVar aggregate classification (germline): Pathogenic/Likely pathogenic. Review status: criteria provided, multiple submitters, no conflicts (2 of 4 stars). 2 submissions from 2 submitters: Pathogenic (1); Likely pathogenic (1). Last evaluated 2024-01-02.

Conditions:
Type I complement component 8 deficiency. Also called: COMPLEMENT C8 DEFICIENCY, TYPE I; C8AG DEFICIENCY; C8 ALPHA-GAMMA DEFICIENCY. Identifiers: MedGen C3151081, MONDO:0013422, OMIM 613790.

Allele frequency attached by ClinVar (database versions not stated): gnomAD 0.00001.
gnomAD v4.1: 1 of 1,613,980 alleles (0.000062%); highest among the groups gnomAD compares: Non-Finnish European, 0.000085%; no homozygotes.

Submissions (2):

Baylor Genetics
Classification: Likely pathogenic for Type I complement component 8 deficiency. Last evaluated: 2024-01-02. Review status: criteria provided, single submitter. Criteria: ACMG Guidelines, 2015. Collection method: clinical testing. Allele origin: unknown.

Labcorp Genetics (formerly Invitae), Labcorp
Classification: Pathogenic. Last evaluated: 2023-12-09. Review status: criteria provided, single submitter. Criteria: Invitae Variant Classification Sherloc (09022015). Collection method: clinical testing. Allele origin: germline.
Comment: This sequence change creates a premature translational stop signal (p.Tyr384*) in the C8A gene. It is expected to result in an absent or disrupted protein product. Loss-of-function variants in C8A are known to be pathogenic (PMID: 9759902). This variant is present in population databases (no rsID available, gnomAD 0.007%). This variant has not been reported in the literature in individuals affected with C8A-related conditions. For these reasons, this variant has been classified as Pathogenic.

Literature cited by the submitters: PubMed 9759902 (cited by Labcorp Genetics (formerly Invitae), Labcorp).